The following is an entry in ClinVar:

ClinVar aggregate classification (germline): Uncertain significance. Review status: criteria provided, multiple submitters, no conflicts (2 of 4 stars). 2 submissions from 2 submitters: Uncertain significance (2). Last evaluated 2024-07-18.

Conditions:
Neonatal-onset encephalopathy with rigidity and seizures. Also called: Lethal neonatal spasticity-epileptic encephalopathy syndrome. Identifiers: Orphanet 435845, MedGen C3281029, MONDO:0013784, OMIM 614498.
Neurodevelopmental disorder with cerebellar atrophy and with or without seizures. Identifiers: MedGen C4748032, MONDO:0020841, OMIM 618056.

Allele frequency attached by ClinVar (database versions not stated): gnomAD 0.00005 and 0.00007; gnomAD exomes 0.00002 and 0.00013; TOPMed 0.00004; ExAC 0.00019.

Submissions (3):

3billion
Classification: Uncertain significance for Neurodevelopmental disorder with cerebellar atrophy and with or without seizures. Last evaluated: 2024-07-18. Review status: criteria provided, single submitter. Criteria: ACMG Guidelines, 2015. Collection method: clinical testing. Allele origin: germline. Affected: yes.
Comment: The variant is observed at an extremely low frequency in the gnomAD v4.0.0 dataset (total allele frequency: 0.019%). Predicted Consequence/Location: Intron variant Intron variant predicted in silico to alter splicing and result in a premature termination. However, the prediction score[Splice AI: 0.12 (>=0.2, moderate evidence for spliceogenicity)] is not significant and therefore functional studies should be performed to observe the exact consequence. The variant has been reported as of uncertain significance (ClinVar ID: VCV002633088; 3billion dataset). Therefore, this variant is classified as VUS according to the recommendation of ACMG/AMP guideline.

Labcorp Genetics (formerly Invitae), Labcorp
Classification: Uncertain significance for Neonatal-onset encephalopathy with rigidity and seizures. Last evaluated: 2022-09-27. Review status: criteria provided, single submitter. Criteria: Invitae Variant Classification Sherloc (09022015). Collection method: clinical testing. Allele origin: germline.
Comment: This sequence change falls in intron 11 of the BRAT1 gene. It does not directly change the encoded amino acid sequence of the BRAT1 protein. It affects a nucleotide within the consensus splice site. This variant is present in population databases (rs780693251, gnomAD 0.2%). This variant has not been reported in the literature in individuals affected with BRAT1-related conditions. ClinVar contains an entry for this variant (Variation ID: 660459). Variants that disrupt the consensus splice site are a relatively common cause of aberrant splicing (PMID: 17576681, 9536098). Algorithms developed to predict the effect of sequence changes on RNA splicing suggest that this variant may disrupt the consensus splice site. In summary, the available evidence is currently insufficient to determine the role of this variant in disease. Therefore, it has been classified as a Variant of Uncertain Significance.

Dr. Peter K. Rogan Lab, Western University
No classification provided (evidence only). Condition: Ovarian serous cystadenocarcinoma. Review status: no classification provided. Collection method: in vitro. Allele origin: not applicable. Functional consequence: retained intron. Not counted in ClinVar's aggregate classification.

Literature cited by the submitters: PubMed 17576681 (cited by Labcorp Genetics (formerly Invitae), Labcorp); PubMed 9536098 (cited by Labcorp Genetics (formerly Invitae), Labcorp).

NM_152743.4(BRAT1):c.1498+4A>G

Gene: BRAT1 (BRCA1 associated ATM activator 1; minus strand). Cytogenetic location: 7p22.3.
Variant type: single nucleotide variant.
Coding change: c.1498+4A>G on transcript NM_152743.4 (MANE Select); 4 bases into the intron after coding-DNA position 1498, A replaced by G.
Molecular consequence: intron variant.
Genome position (GRCh38, 1-based): chr7:2,539,782, T>C on the plus strand (A>G on the coding strand, the complement: BRAT1 is on the minus strand). VCF-style: chr7-2539782-T-C. GRCh37 (hg19) VCF-style: chr7-2579416-T-C.
Other names: c.973+4A>G (NM_001350627.2); c.1498+4A>G (NM_001350626.2).
Identifiers: ClinVar variation 660459 (VCV000660459.10), dbSNP rs780693251, ClinGen allele CA4127728.